The following is an entry in ClinVar:

ClinVar aggregate classification (germline): Uncertain significance. Review status: criteria provided, multiple submitters, no conflicts (2 of 4 stars). 2 submissions from 2 submitters: Uncertain significance (2). Last evaluated 2025-10-07.

Allele frequency attached by ClinVar (database versions not stated): gnomAD 0.00014; ESP Exome Variant Server 0.00032.
gnomAD v4.1: 199 of 1,613,418 alleles (0.012%); highest among the groups gnomAD compares: Admixed American, 0.012%; no homozygotes.

Submissions (2):

Labcorp Genetics (formerly Invitae), Labcorp
Classification: Uncertain significance. Last evaluated: 2025-10-07. Review status: criteria provided, single submitter. Criteria: Invitae Variant Classification Sherloc (09022015). Collection method: clinical testing. Allele origin: germline.
Comment: This sequence change replaces arginine, which is basic and polar, with histidine, which is basic and polar, at codon 187 of the CARMIL2 protein (p.Arg187His). This variant is present in population databases (rs374166923, gnomAD 0.2%). This variant has not been reported in the literature in individuals affected with CARMIL2-related conditions. ClinVar contains an entry for this variant (Variation ID: 1431569). Invitae Evidence Modeling of protein sequence and biophysical properties (such as structural, functional, and spatial information, amino acid conservation, physicochemical variation, residue mobility, and thermodynamic stability) indicates that this missense variant is not expected to disrupt CARMIL2 protein function with a negative predictive value of 80%. In summary, the available evidence is currently insufficient to determine the role of this variant in disease. Therefore, it has been classified as a Variant of Uncertain Significance.

Blueprint Genetics
Classification: Uncertain significance. Last evaluated: 2024-11-07. Review status: criteria provided, single submitter. Criteria: ACMG Guidelines, 2015. Collection method: clinical testing. Allele origin: germline.

NM_001013838.3(CARMIL2):c.560G>A (p.Arg187His)

Gene: CARMIL2 (capping protein regulator and myosin 1 linker 2; plus strand). Cytogenetic location: 16q22.1.
Variant type: single nucleotide variant.
Coding change: c.560G>A on transcript NM_001013838.3 (MANE Select); coding-DNA position 560, G replaced by A.
Protein change: p.Arg187His; replaces arginine 187 with histidine.
Molecular consequence: missense variant.
Genome position (GRCh38, 1-based): chr16:67,646,922, G>A. VCF-style: chr16-67646922-G-A. GRCh37 (hg19) VCF-style: chr16-67680825-G-A.
Other names: c.560G>A, p.Arg187His (NM_001317026.3); short protein forms R187H.
Identifiers: ClinVar variation 1431569 (VCV001431569.6), dbSNP rs374166923, ClinGen allele CA8113123.